The following is an entry in ClinVar:

NM_000337.6(SGCD):c.559C>A (p.Pro187Thr)

Gene: SGCD (sarcoglycan delta; plus strand). Cytogenetic location: 5q33.3.
Variant type: single nucleotide variant.
Coding change: c.559C>A on transcript NM_000337.6 (MANE Select); coding-DNA position 559, C replaced by A.
Protein change: p.Pro187Thr; replaces proline 187 with threonine.
Molecular consequence: missense variant.
Genome position (GRCh38, 1-based): chr5:156,647,520, C>A. VCF-style: chr5-156647520-C-A. GRCh37 (hg19) VCF-style: chr5-156074530-C-A.
Other names: c.556C>A, p.Pro186Thr (NM_001128209.2); c.559C>A, p.Pro187Thr (NM_172244.3); short protein forms P187T, P186T.
Identifiers: ClinVar variation 1748527 (VCV001748527.2), dbSNP rs769250018, ClinGen allele CA130630239.
Genomic context (GRCh38, chr5:156,647,520, plus strand): 5'-ACAGGAGCGGAGGGCACAGTGTTCCCTAAATCTATAGAAACACCTAATGTCAGGGCAGAC[C>A]CCTTCAAAGAACTAAGGTAAACTTCTGACTTTGGTTTGCATTGATTAATGGCTATTGCCT-3'
Protein context (NP_000328.2, residues 177-197): SIETPNVRAD[Pro187Thr]FKELRLESPT

ClinVar aggregate classification (germline): Uncertain significance (1 of 4 stars; one submission).

Conditions:
Inborn genetic diseases. Identifiers: MedGen C0950123, MeSH D030342.

Submission:

Ambry Genetics
Classification: Uncertain significance for Inborn genetic diseases. Last evaluated: 2022-04-03. Review status: criteria provided, single submitter. Criteria: Ambry Variant Classification Scheme 2023. Collection method: clinical testing. Allele origin: germline.
Comment: The p.P187T variant (also known as c.559C>A), located in coding exon 6 of the SGCD gene, results from a C to A substitution at nucleotide position 559. The proline at codon 187 is replaced by threonine, an amino acid with highly similar properties. This amino acid position is conserved. In addition, this alteration is predicted to be deleterious by in silico analysis. Since supporting evidence is limited at this time, the clinical significance of this alteration remains unclear.